The following is an entry in ClinVar:

ClinVar aggregate classification (germline): Likely benign. Review status: criteria provided, multiple submitters, no conflicts (2 of 4 stars). 4 submissions from 4 submitters: Likely benign (4). Last evaluated 2024-11-21.

Allele frequency attached by ClinVar (database versions not stated): gnomAD exomes 0.00117; 1000 Genomes Project 0.00160; ExAC 0.00178; 1000 Genomes Project 30x 0.00219; gnomAD 0.00266 and 0.00279; TOPMed 0.00293.
gnomAD v4.1: 2,440 of 1,609,924 alleles (0.15%); highest among the groups gnomAD compares: African/African-American, 0.52%; 5 homozygotes.

Submissions (4):

Blueprint Genetics
Classification: Likely benign. Last evaluated: 2024-11-21. Review status: criteria provided, single submitter. Criteria: ACMG Guidelines, 2015. Collection method: clinical testing. Allele origin: germline.

CeGaT Center for Human Genetics Tuebingen
Classification: Likely benign. Last evaluated: 2024-04-01. Review status: criteria provided, single submitter. Criteria: CeGaT Center For Human Genetics Tuebingen Variant Classification Criteria Version 2. Collection method: clinical testing. Allele origin: germline. Affected: yes. Observed: 1 variant allele.
Comment: SMPD4: BP4

Genetic Services Laboratory, University of Chicago
Classification: Likely benign. Last evaluated: 2021-02-17. Review status: criteria provided, single submitter. Criteria: ACMG Guidelines, 2015. Collection method: clinical testing. Allele origin: germline. Affected: no.

Breakthrough Genomics
Classification: Likely benign. Review status: criteria provided, single submitter. Criteria: ACMG Guidelines, 2015. Collection method: not provided. Allele origin: germline. Inheritance: Autosomal recessive inheritance. Affected: yes.

NM_017951.5(SMPD4):c.1289+8T>G

Gene: SMPD4 (sphingomyelin phosphodiesterase 4; minus strand). Cytogenetic location: 2q21.1.
Variant type: single nucleotide variant.
Coding change: c.1289+8T>G on transcript NM_017951.5 (MANE Select); 8 bases into the intron after coding-DNA position 1289, T replaced by G.
Molecular consequence: intron variant.
Genome position (GRCh38, 1-based): chr2:130,156,027, A>C on the plus strand (T>G on the coding strand, the complement: SMPD4 is on the minus strand). VCF-style: chr2-130156027-A-C. GRCh37 (hg19) VCF-style: chr2-130913600-A-C.
Other names: c.1100+8T>G (NM_001171083.2); c.1319+8T>G (NM_017751.4).
Identifiers: ClinVar variation 1337610 (VCV001337610.26), dbSNP rs200865582, ClinGen allele CA1869816.